The following is an entry in ClinVar:

NM_024685.4(BBS10):c.1964C>T (p.Pro655Leu)

Gene: BBS10 (Bardet-Biedl syndrome 10; minus strand). Cytogenetic location: 12q21.2.
Variant type: single nucleotide variant.
Coding change: c.1964C>T on transcript NM_024685.4 (MANE Select); coding-DNA position 1964, C replaced by T.
Protein change: p.Pro655Leu; replaces proline 655 with leucine.
Molecular consequence: missense variant.
Genome position (GRCh38, 1-based): chr12:76,346,021, G>A on the plus strand (C>T on the coding strand, the complement: BBS10 is on the minus strand). VCF-style: chr12-76346021-G-A. GRCh37 (hg19) VCF-style: chr12-76739801-G-A.
Other names: short protein forms P655L.
Identifiers: ClinVar variation 1983150 (VCV001983150.2), dbSNP rs138456137, ClinGen allele CA6694072.

ClinVar aggregate classification (germline): Uncertain significance. Review status: criteria provided, multiple submitters, no conflicts (2 of 4 stars). 2 submissions from 2 submitters: Uncertain significance (2). Last evaluated 2024-01-29.

Conditions:
Bardet-Biedl syndrome (BBS). Identifiers: Orphanet 110, MedGen C0752166, MONDO:0015229.
Bardet-Biedl syndrome 10 (BBS10). Identifiers: Orphanet 110, MedGen C1859568, MONDO:0014438, OMIM 615987.

Allele frequency attached by ClinVar (database versions not stated): ExAC 0.00002; gnomAD 0.00003; TOPMed 0.00004; ESP Exome Variant Server 0.00023.
gnomAD v4.1: 8 of 1,613,812 alleles (0.0005%); highest among the groups gnomAD compares: African/African-American, 0.0093%; no homozygotes.

Submissions (2):

Fulgent Genetics
Classification: Uncertain significance for Bardet-Biedl syndrome 10. Last evaluated: 2024-01-29. Review status: criteria provided, single submitter. Criteria: ACMG Guidelines, 2015. Collection method: clinical testing. Allele origin: germline.

Labcorp Genetics (formerly Invitae), Labcorp
Classification: Uncertain significance for Bardet-Biedl syndrome. Last evaluated: 2022-04-23. Review status: criteria provided, single submitter. Criteria: Invitae Variant Classification Sherloc (09022015). Collection method: clinical testing. Allele origin: germline.
Comment: This sequence change replaces proline, which is neutral and non-polar, with leucine, which is neutral and non-polar, at codon 655 of the BBS10 protein (p.Pro655Leu). This variant is present in population databases (rs138456137, gnomAD 0.01%). This variant has not been reported in the literature in individuals affected with BBS10-related conditions. Algorithms developed to predict the effect of missense changes on protein structure and function are either unavailable or do not agree on the potential impact of this missense change (SIFT: "Deleterious"; PolyPhen-2: "Benign"; Align-GVGD: "Class C15"). In summary, the available evidence is currently insufficient to determine the role of this variant in disease. Therefore, it has been classified as a Variant of Uncertain Significance.